The following is an entry in ClinVar:

ClinVar aggregate classification (germline): Likely benign. Review status: criteria provided, multiple submitters, no conflicts (2 of 4 stars). 3 submissions from 3 submitters: Likely benign (3). Last evaluated 2026-03-01.

Submissions (3):

CeGaT Center for Human Genetics Tuebingen
Classification: Likely benign. Last evaluated: 2026-03-01. Review status: criteria provided, single submitter. Criteria: CeGaT Center For Human Genetics Tuebingen Variant Classification Criteria Version 2. Collection method: clinical testing. Allele origin: germline. Affected: yes. Observed: 1 variant allele.
Comment: COL18A1: PM4, BS2

Labcorp Genetics (formerly Invitae), Labcorp
Classification: Likely benign. Last evaluated: 2025-12-15. Review status: criteria provided, single submitter. Criteria: Invitae Variant Classification Sherloc (09022015). Collection method: clinical testing. Allele origin: germline.

Blueprint Genetics
Classification: Likely benign. Last evaluated: 2024-09-15. Review status: criteria provided, single submitter. Criteria: ACMG Guidelines, 2015. Collection method: clinical testing. Allele origin: germline.

NM_001379500.1(COL18A1):c.2964CCCCCCAGG[3] (p.985GPP[5])

Genes: COL18A1 (collagen type XVIII alpha 1 chain; plus strand), SLC19A1 (solute carrier family 19 member 1; minus strand). Cytogenetic location: 21q22.3.
Variant type: Microsatellite.
Coding change: c.2964CCCCCCAGG[3] on transcript NM_001379500.1 (MANE Select); three copies in a row of the 9-base unit CCCCCCAGG starting at c.2964; the reference has two copies in a row; one copy, 9 bases duplicated.
Protein change: p.985GPP[5].
Molecular consequence: inframe insertion.
Genome position (GRCh38, 1-based): chr21:45,505,238-45,505,246, CCCCCCAGG duplicated; duplicating any 9 consecutive bases within chr21:45,505,227-45,505,246 gives the same sequence; the position shown is the placement nearest the transcript's 3' end. VCF-style (leftmost placement, unchanged base first): chr21-45505226-C-CGGCCCCCCA. GRCh37 (hg19) VCF-style: chr21-46925140-C-CGGCCCCCCA.
Other names: c.3495CCCCCCAGG[3], p.1162GPP[5] (NM_030582.4); c.4200CCCCCCAGG[3], p.1397GPP[5] (NM_130444.3).
Identifiers: ClinVar variation 1159137 (VCV001159137.14), dbSNP rs759403198, ClinGen allele CA10067576.